The following is an entry in ClinVar:

ClinVar aggregate classification (germline): Uncertain significance (1 of 4 stars; one submission).

Conditions:
Hereditary cancer-predisposing syndrome. Also called: Hereditary Cancer Syndrome; Neoplastic Syndromes, Hereditary; Tumor predisposition; Hereditary neoplastic syndrome. Identifiers: Orphanet 140162, MedGen C0027672, MeSH D009386, MONDO:0015356.

Allele frequency attached by ClinVar (database versions not stated): gnomAD exomes below 0.00001.
gnomAD v4.1: 1 of 1,611,840 alleles (0.000062%); highest among the groups gnomAD compares: African/African-American, 0.0013%; no homozygotes.

Submission:

Ambry Genetics
Classification: Uncertain significance for Hereditary cancer-predisposing syndrome. Last evaluated: 2022-01-12. Review status: criteria provided, single submitter. Criteria: Ambry Variant Classification Scheme 2023. Collection method: clinical testing. Allele origin: germline.
Comment: The p.T1674A variant (also known as c.5020A>G), located in coding exon 38 of the TSC2 gene, results from an A to G substitution at nucleotide position 5020. The threonine at codon 1674 is replaced by alanine, an amino acid with similar properties. This amino acid position is not well conserved in available vertebrate species. In addition, this alteration is predicted to be deleterious by in silico analysis. Since supporting evidence is limited at this time, the clinical significance of this alteration remains unclear.

NM_000548.5(TSC2):c.5020A>G (p.Thr1674Ala)

Gene: TSC2 (TSC complex subunit 2; plus strand). Cytogenetic location: 16p13.3.
Variant type: single nucleotide variant.
Coding change: c.5020A>G on transcript NM_000548.5 (MANE Select); coding-DNA position 5020, A replaced by G.
Protein change: p.Thr1674Ala; replaces threonine 1674 with alanine.
Molecular consequence: missense variant.
Genome position (GRCh38, 1-based): chr16:2,087,893, A>G. VCF-style: chr16-2087893-A-G. GRCh37 (hg19) VCF-style: chr16-2137894-A-G.
Other names: c.4819A>G, p.Thr1607Ala (NM_001077183.3); c.4951A>G, p.Thr1651Ala (NM_001114382.3); c.4711A>G, p.Thr1571Ala (NM_001318827.2); c.4675A>G, p.Thr1559Ala (NM_001318829.2); c.4288A>G, p.Thr1430Ala (NM_001318831.2); c.4852A>G, p.Thr1618Ala (NM_001318832.2); c.4822A>G, p.Thr1608Ala (NM_001363528.2); c.4888A>G, p.Thr1630Ala (NM_001370404.1); and 26 more; short protein forms T1203A, T1450A, T1570A, T1618A, T1630A, T1648A, T1183A, T1430A.
Identifiers: ClinVar variation 1744837 (VCV001744837.2), dbSNP rs45500595, ClinGen allele CA394311230.